The following is an entry in ClinVar:

NM_006147.4(IRF6):c.-75-21dup

Gene: IRF6 (interferon regulatory factor 6; minus strand). Cytogenetic location: 1q32.2.
Variant type: Duplication.
Coding change: c.-75-21dup on transcript NM_006147.4 (MANE Select); 21 bases into the intron before 75 bases upstream of the start codon, one base duplicated (C; older notation c.-75-21dupC).
Molecular consequence: intron variant.
Genome position (GRCh38, 1-based): chr1:209,802,061, G duplicated on the plus strand (C on the coding strand, the reverse complement: IRF6 is on the minus strand); the first of 4 consecutive G bases (chr1:209,802,061-209,802,064); duplicating any one gives the same sequence. VCF-style (leftmost placement, unchanged base first): chr1-209802060-A-AG. GRCh37 (hg19) VCF-style: chr1-209975405-A-AG.
Other names: c.-112+3883dup (NM_001206696.2).
Identifiers: ClinVar variation 981925 (VCV000981925.5), dbSNP rs145034080, ClinGen allele CA36756341.

ClinVar aggregate classification (germline): Benign. Review status: criteria provided, multiple submitters, no conflicts (2 of 4 stars). 2 submissions from 2 submitters: Benign (2). Last evaluated 2020-07-10.

Conditions:
Orofacial cleft 6, susceptibility to (OFC6). Also called: CLEFT LIP WITH OR WITHOUT CLEFT PALATE, NONSYNDROMIC, 6. Identifiers: MedGen C1837213, MONDO:0012141, OMIM 608864.

Submissions (2):

Laboratorio de Biologia Experimental, Instituto Nacional de Pediatria, Mexico
Classification: Benign for Orofacial cleft 6, susceptibility to. Last evaluated: 2020-07-10. Review status: criteria provided, single submitter. Criteria: ACMG Guidelines, 2015. Collection method: case-control. Allele origin: inherited. Affected: yes. Observed: 1 variant allele.
Comment: The variant was consider Benign by its location and effect and also has been reported in healthy cohorts as gnomAD (190 alleles).

In the study 172 individuals diagnosed as non-syndromic cleft lip palate.

GeneDx
Classification: Benign. Last evaluated: 2015-03-03. Review status: criteria provided, single submitter. Criteria: GeneDx Variant Classification Process June 2021. Collection method: clinical testing. Allele origin: germline. Affected: yes.

Literature cited by the submitters: DOI 10.1177/0022034516647034 (cited by Laboratorio de Biologia Experimental, Instituto Nacional de Pediatria, Mexico).